The following is an entry in ClinVar:

NM_152618.3(BBS12):c.1063C>T (p.Arg355Ter)

Gene: BBS12 (Bardet-Biedl syndrome 12; plus strand). Cytogenetic location: 4q27.
Variant type: single nucleotide variant.
Coding change: c.1063C>T on transcript NM_152618.3 (MANE Select); coding-DNA position 1063, C replaced by T.
Protein change: p.Arg355Ter; replaces arginine 355 with a stop codon.
Molecular consequence: nonsense.
Genome position (GRCh38, 1-based): chr4:122,742,955, C>T. VCF-style: chr4-122742955-C-T. GRCh37 (hg19) VCF-style: chr4-123664110-C-T.
Other names: c.1063C>T, p.Arg355Ter (NM_001178007.2); short protein forms R355*.
Identifiers: ClinVar variation 1147 (VCV000001147.35), dbSNP rs121918327, ClinGen allele CA251706.
Genomic context (GRCh38, chr4:122,742,955, plus strand): 5'-ATCACTGTTGTGTCAGTATCTAATAATCCTGTGATCAAGGAATTGCAGAATCAGCCTGTG[C>T]GAATAGTTCTCATTGAGGGTGACCTCACAGAGAATTACCGCCACCTGGGATTTAATAAGT-3'

ClinVar aggregate classification (germline): Pathogenic. Review status: criteria provided, multiple submitters, no conflicts (2 of 4 stars). 16 submissions from 15 submitters: Pathogenic (12). 4 of the submissions do not count toward it. Last evaluated 2026-03-21.

Conditions:
BBS12-related disorder. Also called: BBS12-related condition.
Polydactyly, postaxial, type A1. Identifiers: MedGen C4282400, MONDO:0008266, OMIM 174200.
Inability to walk. Identifiers: MedGen C0560046, HP:0002540.
Visual impairment. Also called: Impaired vision; vision problems. Identifiers: MedGen C3665347, HP:0000505.
Abnormal cardiovascular system morphology. Also called: Abnormality of cardiovascular system morphology. Identifiers: MedGen C4049796, HP:0030680.
Bardet-Biedl syndrome 1 (BBS1). Identifiers: MedGen C2936862, MONDO:0008854, OMIM 209900. Disease mechanism: loss of function.
Bardet-Biedl syndrome (BBS). Identifiers: Orphanet 110, MedGen C0752166, MONDO:0015229.
Bardet-Biedl syndrome 12 (BBS12). Identifiers: Orphanet 110, MedGen C1859570, MONDO:0014440, OMIM 615989.

Allele frequency attached by ClinVar (database versions not stated): gnomAD 0.00001; ExAC 0.00002; TOPMed 0.00002; gnomAD exomes 0.00003.
gnomAD v4.1: 28 of 1,614,044 alleles (0.0017%); highest among the groups gnomAD compares: African/African-American, 0.0027%; no homozygotes.

Submissions (16):

PreventionGenetics, part of Exact Sciences
Classification: Pathogenic for BBS12-related condition. Last evaluated: 2026-03-21. Review status: criteria provided, single submitter. Criteria: ACMG Guidelines, 2015. Collection method: clinical testing. Allele origin: germline.
Comment: The BBS12 c.1063C>T variant is predicted to result in premature protein termination (p.Arg355*). This variant is documented causative for Bardet-Biedl syndrome (Stoetzel et al. 2007. PubMed ID: 17160889; Focșa et al. 2021. PubMed ID: 34760276). This variant is reported in 0.0053% of alleles in individuals of European (Non-Finnish) descent in gnomAD. Nonsense variants in BBS12 are expected to be pathogenic. This variant is interpreted as pathogenic.

Labcorp Genetics (formerly Invitae), Labcorp
Classification: Pathogenic for Bardet-Biedl syndrome. Last evaluated: 2025-11-10. Review status: criteria provided, single submitter. Criteria: Invitae Variant Classification Sherloc (09022015). Collection method: clinical testing. Allele origin: germline.
Comment: This sequence change creates a premature translational stop signal (p.Arg355*) in the BBS12 gene. While this is not anticipated to result in nonsense mediated decay, it is expected to disrupt the last 356 amino acid(s) of the BBS12 protein. This variant is present in population databases (rs121918327, gnomAD 0.006%). This premature translational stop signal has been observed in individual(s) with Bardet-Biedl syndrome (PMID: 17160889, 23591405). It has also been observed to segregate with disease in related individuals. ClinVar contains an entry for this variant (Variation ID: 1147). For these reasons, this variant has been classified as Pathogenic.

Natera, Inc.
Classification: Pathogenic for Bardet-Biedl syndrome type 12. Last evaluated: 2025-06-18. Review status: criteria provided, single submitter. Criteria: Natera Variant Classification Schema (03/2026). Collection method: clinical testing. Allele origin: germline.
Comment: The c.1063C>T variant in BBS12 is a nonsense variant predicted to introduce a stop codon at amino acid 355. This variant is expected to result in nonsense mediated decay, truncation, or a dysfunctional protein product. This variant is rare in the general population with a frequency below the threshold expected for the associated phenotype(s). This variant has been observed in one or more individuals affected with the associated recessive disease, as either homozygous or compound heterozygous with a second variant (PMID: 30614526, 32531858). Given the available evidence, this variant is classified as Pathogenic.

CeGaT Center for Human Genetics Tuebingen
Classification: Pathogenic. Last evaluated: 2025-02-01. Review status: criteria provided, single submitter. Criteria: CeGaT Center For Human Genetics Tuebingen Variant Classification Criteria Version 2. Collection method: clinical testing. Allele origin: germline. Affected: yes. Observed: 3 variant alleles.
Comment: BBS12: PM3:Strong, PVS1:Strong, PM2, PP4

Blueprint Genetics
Classification: Pathogenic for BBS12-related disorders. Last evaluated: 2024-11-13. Review status: criteria provided, single submitter. Criteria: ACMG Guidelines, 2015. Collection method: clinical testing. Allele origin: germline. Affected: yes. Observed: 5 variant alleles.

3billion
Classification: Pathogenic for Bardet-Biedl syndrome 12. Last evaluated: 2024-06-24. Review status: criteria provided, single submitter. Criteria: ACMG Guidelines, 2015. Collection method: clinical testing. Allele origin: germline. Affected: yes.
Comment: The variant is observed at an extremely low frequency in the gnomAD v4.0.0 dataset (total allele frequency: 0.002%). Predicted Consequence/Location: Stop-gained (nonsense): predicted to result in a loss or disruption of normal protein function through protein truncation. The predicted truncated protein may be shortened by more than 10%. The variant has been reported at least twice as pathogenic with clinical assertions and evidence for the classification (ClinVar ID: VCV000001147 /PMID: 17160889 /3billion dataset). Therefore, this variant is classified as Pathogenic according to the recommendation of ACMG/AMP guideline.

Department of Pathology and Laboratory Medicine, Sinai Health System
Classification: Pathogenic for Bardet-Biedl syndrome. Last evaluated: 2023-01-23. Review status: criteria provided, single submitter. Criteria: ACMG Guidelines, 2015. Collection method: research. Allele origin: germline.

Fulgent Genetics
Classification: Pathogenic for Bardet-Biedl syndrome 12. Last evaluated: 2022-04-21. Review status: criteria provided, single submitter. Criteria: ACMG Guidelines, 2015. Collection method: clinical testing. Allele origin: unknown.

Centre for Mendelian Genomics, University Medical Centre Ljubljana
Classification: Pathogenic for Bardet-Biedl syndrome 12. Last evaluated: 2019-03-20. Review status: criteria provided, single submitter. Criteria: ACMG Guidelines, 2015. Collection method: clinical testing. Allele origin: unknown. Affected: yes.
Comment: This variant was classified as: Pathogenic. The following ACMG criteria were applied in classifying this variant: PVS1,PM2,PP5.

Centre for Genomic Medicine, Manchester, Central Manchester University Hospitals
Classification: Pathogenic for Bardet-Biedl syndrome 12. Last evaluated: 2019-02-01. Review status: criteria provided, single submitter. Criteria: ACMG Guidelines, 2015. Collection method: clinical testing. Allele origin: germline. Affected: yes. Observed: 1 variant allele, 1 homozygote.

Institute of Human Genetics Munich, TUM University Hospital
Classification: Pathogenic for Bardet-Biedl syndrome 12. Last evaluated: 2017-09-08. Review status: criteria provided, single submitter. Criteria: Classification criteria August 2017. Collection method: clinical testing. Allele origin: maternal. Inheritance: Autosomal recessive inheritance. Affected: yes. Observed: 1 compound heterozygote.

Centre for Mendelian Genomics, University Medical Centre Ljubljana
Classification: Pathogenic for Inability to walk; Abnormal cardiovascular system morphology; Postaxial polydactyly; Visual impairment. Last evaluated: 2017-01-01. Review status: criteria provided, single submitter. Criteria: ACMG Guidelines, 2015. Collection method: clinical testing. Allele origin: unknown. Affected: yes.

Advanced Center For Translational And Genetic Medicine, Ann & Robert H. Lurie Children's Hospital Of Chicago
Classification: Pathogenic for Bardet-Biedl syndrome 1. Last evaluated: 2023-05-10. Review status: no assertion criteria provided. Collection method: research. Allele origin: biparental, inherited, unknown. Affected: yes. Observed: 8 homozygotes. Not counted in ClinVar's aggregate classification.

Laboratory of Medical Genetics (UMR_S 1112), INSERM/Strasbourg University
Classification: Pathogenic for Bardet-Biedl syndrome. Last evaluated: 2018-09-15. Review status: no assertion criteria provided. Collection method: provider interpretation. Allele origin: germline. Affected: yes. Study: French fetal BBS cohort. Not counted in ClinVar's aggregate classification.

Counsyl
Classification: Pathogenic for Bardet-Biedl syndrome 12. Last evaluated: 2017-11-27. Review status: no assertion criteria provided. Collection method: clinical testing. Allele origin: unknown. Not counted in ClinVar's aggregate classification.

OMIM
Classification: Pathogenic for BARDET-BIEDL SYNDROME 12. Last evaluated: 2007-01-01. Review status: no assertion criteria provided. Collection method: literature only. Allele origin: germline. Not counted in ClinVar's aggregate classification.

Literature cited by the submitters: PubMed 17160889 (cited by 4 submitters); PubMed 23591405 (cited by Labcorp Genetics (formerly Invitae), Labcorp); PubMed 30614526 (cited by Natera, Inc. and Laboratory of Medical Genetics (UMR_S 1112), INSERM/Strasbourg University); PubMed 32531858 (cited by Natera, Inc.).